The following is an entry in ClinVar:

ClinVar aggregate classification (germline): Uncertain significance (1 of 4 stars; one submission).

Submission:

Labcorp Genetics (formerly Invitae), Labcorp
Classification: Uncertain significance. Last evaluated: 2021-10-22. Review status: criteria provided, single submitter. Criteria: Invitae Variant Classification Sherloc (09022015). Collection method: clinical testing. Allele origin: germline.
Comment: Algorithms developed to predict the effect of missense changes on protein structure and function are either unavailable or do not agree on the potential impact of this missense change (SIFT: "Deleterious"; PolyPhen-2: "Benign"; Align-GVGD: "Class C0"). This variant has not been reported in the literature in individuals affected with FAR1-related conditions. This variant is not present in population databases (ExAC no frequency). This sequence change replaces arginine with isoleucine at codon 67 of the FAR1 protein (p.Arg67Ile). The arginine residue is highly conserved and there is a moderate physicochemical difference between arginine and isoleucine. In summary, the available evidence is currently insufficient to determine the role of this variant in disease. Therefore, it has been classified as a Variant of Uncertain Significance.

NM_032228.6(FAR1):c.200G>T (p.Arg67Ile)

Gene: FAR1 (fatty acyl-CoA reductase 1; plus strand). Cytogenetic location: 11p15.3.
Variant type: single nucleotide variant.
Coding change: c.200G>T on transcript NM_032228.6 (MANE Select); coding-DNA position 200, G replaced by T.
Protein change: p.Arg67Ile; replaces arginine 67 with isoleucine.
Molecular consequence: missense variant.
Genome position (GRCh38, 1-based): chr11:13,700,327, G>T. VCF-style: chr11-13700327-G-T. GRCh37 (hg19) VCF-style: chr11-13721874-G-T.
Other names: short protein forms R67I.
Identifiers: ClinVar variation 1483770 (VCV001483770.6), dbSNP rs2134183937, ClinGen allele CA379856335.